The following is an entry in ClinVar:

ClinVar aggregate classification (germline): Uncertain significance (1 of 4 stars; one submission).

Conditions:
Glycogen storage disease, type II (IOPD). Also called: CARDIOMEGALIA GLYCOGENICA DIFFUSA; POMPE DISEASE, INFANTILE-ONSET; GLYCOGEN STORAGE DISEASE II, INFANTILE-ONSET; ACID ALPHA-GLUCOSIDASE DEFICIENCY, INFANTILE-ONSET; GAA DEFICIENCY, INFANTILE-ONSET; ACID MALTASE DEFICIENCY, INFANTILE-ONSET. Identifiers: Orphanet 365, MedGen C0017921, MONDO:0009290, OMIM 232300.

Allele frequency attached by ClinVar (database versions not stated): gnomAD exomes 0.00001.
gnomAD v4.1: 3 of 1,613,952 alleles (0.00019%); highest among the groups gnomAD compares: Admixed American, 0.0017%; no homozygotes.

Submission:

Labcorp Genetics (formerly Invitae), Labcorp
Classification: Uncertain significance for Glycogen storage disease, type II. Last evaluated: 2022-08-02. Review status: criteria provided, single submitter. Criteria: Invitae Variant Classification Sherloc (09022015). Collection method: clinical testing. Allele origin: germline.
Comment: This sequence change falls in intron 10 of the GAA gene. It does not directly change the encoded amino acid sequence of the GAA protein. It affects a nucleotide within the consensus splice site. This variant is present in population databases (no rsID available, gnomAD 0.003%). This variant has not been reported in the literature in individuals affected with GAA-related conditions. Variants that disrupt the consensus splice site are a relatively common cause of aberrant splicing (PMID: 17576681, 9536098). Algorithms developed to predict the effect of sequence changes on RNA splicing suggest that this variant may create or strengthen a splice site. In summary, the available evidence is currently insufficient to determine the role of this variant in disease. Therefore, it has been classified as a Variant of Uncertain Significance.

Literature cited by the submitters: PubMed 17576681; PubMed 9536098.

NM_000152.5(GAA):c.1551+6T>C

Gene: GAA (alpha glucosidase; plus strand). Cytogenetic location: 17q25.3.
Variant type: single nucleotide variant.
Coding change: c.1551+6T>C on transcript NM_000152.5 (MANE Select); 6 bases into the intron after coding-DNA position 1551, T replaced by C.
Molecular consequence: intron variant.
Genome position (GRCh38, 1-based): chr17:80,110,846, T>C. VCF-style: chr17-80110846-T-C. GRCh37 (hg19) VCF-style: chr17-78084645-T-C.
Other names: c.1551+6T>C (NM_001079803.3, NM_001079804.3).
Identifiers: ClinVar variation 2017468 (VCV002017468.1), dbSNP rs1272252561, ClinGen allele CA627699578.